The following is an entry in ClinVar:

ClinVar aggregate classification (germline): Uncertain significance (1 of 4 stars; one submission).

Allele frequency attached by ClinVar (database versions not stated): TOPMed below 0.00001; gnomAD exomes 0.00001.
gnomAD v4.1: 5 of 1,614,108 alleles (0.00031%); highest among the groups gnomAD compares: Non-Finnish European, 0.00042%; no homozygotes.

Submission:

CeGaT Center for Human Genetics Tuebingen
Classification: Uncertain significance. Last evaluated: 2024-06-01. Review status: criteria provided, single submitter. Criteria: CeGaT Center For Human Genetics Tuebingen Variant Classification Criteria Version 2. Collection method: clinical testing. Allele origin: germline. Affected: yes. Observed: 1 variant allele.
Comment: ARHGEF1: PM2:Supporting

NM_004706.4(ARHGEF1):c.63C>A (p.Val21=)

Gene: ARHGEF1 (Rho guanine nucleotide exchange factor 1; plus strand). Cytogenetic location: 19q13.2.
Variant type: single nucleotide variant.
Coding change: c.63C>A on transcript NM_004706.4 (MANE Select); coding-DNA position 63, C replaced by A.
Protein change: p.Val21=; no amino-acid change (valine 21 retained).
Molecular consequence: synonymous variant. On other transcripts: non-coding transcript variant (2).
Genome position (GRCh38, 1-based): chr19:41,888,230, C>A. VCF-style: chr19-41888230-C-A. GRCh37 (hg19) VCF-style: chr19-42392301-C-A.
Other names: c.63C>A, p.Val21= (NM_001396000.1, NM_001396002.1, NM_001396003.1 and 3 more transcripts); c.108C>A, p.Val36= (NM_199002.2).
Identifiers: ClinVar variation 3250723 (VCV003250723.18), dbSNP rs1204721837.